The following is an entry in ClinVar:

NM_000165.5(GJA1):c.309A>G (p.Glu103=)

Gene: GJA1 (gap junction protein alpha 1; plus strand). Cytogenetic location: 6q22.31.
Variant type: single nucleotide variant.
Coding change: c.309A>G on transcript NM_000165.5 (MANE Select); coding-DNA position 309, A replaced by G.
Protein change: p.Glu103=; no amino-acid change (glutamic acid 103 retained).
Molecular consequence: synonymous variant.
Genome position (GRCh38, 1-based): chr6:121,447,156, A>G. VCF-style: chr6-121447156-A-G. GRCh37 (hg19) VCF-style: chr6-121768302-A-G.
Identifiers: ClinVar variation 1550849 (VCV001550849.32), dbSNP rs544249730, ClinGen allele CA3981674.

ClinVar aggregate classification (germline): Benign/Likely benign. Review status: criteria provided, multiple submitters, no conflicts (2 of 4 stars). 2 submissions from 2 submitters: Benign (1); Likely benign (1). Last evaluated 2023-11-28.

Conditions:
Oculodentodigital dysplasia, autosomal recessive. Also called: OCULODENTOOSSEOUS DYSPLASIA, AUTOSOMAL RECESSIVE; ODDD, AUTOSOMAL RECESSIVE; ODOD, AUTOSOMAL RECESSIVE. Identifiers: Orphanet 2710, MedGen C2749477, MONDO:0009768, OMIM 257850.

Allele frequency attached by ClinVar (database versions not stated): gnomAD exomes 0.00017 and 0.00009; 1000 Genomes Project 0.00020; ExAC 0.00021; TOPMed 0.00004; gnomAD 0.00005; 1000 Genomes Project 30x 0.00016.

Submissions (2):

Labcorp Genetics (formerly Invitae), Labcorp
Classification: Benign for Oculodentodigital dysplasia, autosomal recessive. Last evaluated: 2023-11-28. Review status: criteria provided, single submitter. Criteria: Invitae Variant Classification Sherloc (09022015). Collection method: clinical testing. Allele origin: germline.

CeGaT Center for Human Genetics Tuebingen
Classification: Likely benign. Last evaluated: 2023-04-01. Review status: criteria provided, single submitter. Criteria: CeGaT Center For Human Genetics Tuebingen Variant Classification Criteria Version 2. Collection method: clinical testing. Allele origin: germline. Affected: yes. Observed: 1 variant allele.
Comment: GJA1: BP4, BP7